The following is an entry in ClinVar:

NM_024409.4(NPPC):c.376T>C (p.Cys126Arg)

Gene: NPPC (natriuretic peptide C; minus strand). Cytogenetic location: 2q37.1.
Variant type: single nucleotide variant.
Coding change: c.376T>C on transcript NM_024409.4 (MANE Select); coding-DNA position 376, T replaced by C.
Protein change: p.Cys126Arg; replaces cysteine 126 with arginine.
Molecular consequence: missense variant.
Genome position (GRCh38, 1-based): chr2:231,925,430, A>G on the plus strand (T>C on the coding strand, the complement: NPPC is on the minus strand). VCF-style: chr2-231925430-A-G. GRCh37 (hg19) VCF-style: chr2-232790140-A-G.
Other names: short protein forms C126R.
Identifiers: ClinVar variation 5010203 (VCV005010203.1).
Genomic context (GRCh38, chr2:231,925,430, plus strand): 5'-GGGCTGGGGCTGGGCGTCGGGTGGGCCGTACTCACCGCCGCCAGGGGGCGCCGCACTAAC[A>G]TCCCAGGCCGCTCATGGAGCCGATTCGGTCCAGCTTGAGGCCGAAGCAGCCCTTGGACAA-3'
Protein context (NP_077720.1, residues 116-126): DRIGSMSGLG[Cys126Arg]

ClinVar aggregate classification (germline): VUS-mid (1 of 4 stars; one submission).

Conditions:
Acromesomelic type of short stature.

Submission:

Department of Medicine, Jawaharlal Institute of Postgraduate Medical Education & Research
Classification: VUS-mid for Acromesomelic type of short stature. Last evaluated: 2026-09-17. Review status: criteria provided, single submitter. Criteria: ACMG Guidelines, 2015. Collection method: provider interpretation. Allele origin: inherited. Inheritance: Autosomal recessive inheritance. Affected: yes. Observed: 1 variant allele, 1 homozygote.
Comment: Biallelic variants in NPPC gene have not been reported in humans so far. NPPC codes for C type natriuertic peptide. CNP has a ring domain due to SH bonds between two Cysteine residues. In vitro studies by Furuya et al (1992) have shown that loss of this Cys- Cys bond leads to loss of the ring domain and near total loss of function of the protein. The variant c.376T>C causes Cysteine to be replaced by arginine leading to loss of the functional ring domain. Furuya M, Tawaragi Y, Minamitake Y, et al. 1992. Structural requirements of C-type natriuretic peptide for elevation of cyclic GMP in cultured vascular smooth muscle cells. Biochemical and Biophysical Research Communications. Mar 31;183(3):964-9.

Literature cited by the submitters: PubMed 1314580; PubMed 42888861.